The following is an entry in ClinVar:

NM_000021.4(PSEN1):c.918A>C (p.Gln306His)

Gene: PSEN1 (presenilin 1; plus strand). Cytogenetic location: 14q24.2.
Variant type: single nucleotide variant.
Coding change: c.918A>C on transcript NM_000021.4 (MANE Select); coding-DNA position 918, A replaced by C.
Protein change: p.Gln306His; replaces glutamine 306 with histidine.
Molecular consequence: missense variant.
Genome position (GRCh38, 1-based): chr14:73,206,435, A>C. VCF-style: chr14-73206435-A-C. GRCh37 (hg19) VCF-style: chr14-73673143-A-C.
Other names: c.906A>C, p.Gln302His (NM_007318.3); short protein forms Q306H, Q302H.
Identifiers: ClinVar variation 1441953 (VCV001441953.8), dbSNP rs1256981707, ClinGen allele CA390304916.
Genomic context (GRCh38, chr14:73,206,435, plus strand): 5'-TTTCCCAACAGCAACAATGGTGTGGTTGGTGAATATGGCAGAAGGAGACCCGGAAGCTCA[A>C]AGGAGAGTATCCAAAAATTCCAAGTATAATGCAGAAAGTAGGTAACTTTTATTAGATAAT-3'
Protein context (NP_000012.1, residues 296-316): VNMAEGDPEA[Gln306His]RRVSKNSKYN

ClinVar aggregate classification (germline): Uncertain significance (1 of 4 stars; one submission).

Conditions:
Frontotemporal dementia (FTD1). Also called: Dementia, frontotemporal, with or without parkinsonism; Frontotemporal Dementia with Parkinsonism-17 (FTDP-17); WILHELMSEN-LYNCH DISEASE; FRONTOTEMPORAL DEMENTIA WITH PARKINSONISM; FRONTOTEMPORAL LOBE DEMENTIA; MULTIPLE SYSTEM TAUOPATHY WITH PRESENILE DEMENTIA. Identifiers: Orphanet 282, MedGen C0338451, MONDO:0017276, OMIM 600274, HP:0002145.
Pick disease. Also called: Pick's disease; DEMENTIA WITH LOBAR ATROPHY AND NEURONAL CYTOPLASMIC INCLUSIONS; LOBAR ATROPHY OF BRAIN; PICK DISEASE OF BRAIN; Pick Disease of the Brain. Identifiers: Orphanet 282, MedGen C0236642, MONDO:0008243, OMIM 172700.
Acne inversa, familial, 3 (ACNINV3). Identifiers: MedGen C3151038, MONDO:0013398, OMIM 613737.
Alzheimer disease 3 (AD3). Also called: ALZHEIMER DISEASE, FAMILIAL, 3. Identifiers: Orphanet 1020, MedGen C1843013, MONDO:0011913, OMIM 607822.

Submission:

Labcorp Genetics (formerly Invitae), Labcorp
Classification: Uncertain significance for Alzheimer disease 3; Pick disease; Acne inversa, familial, 3; Frontotemporal dementia. Last evaluated: 2021-06-09. Review status: criteria provided, single submitter. Criteria: Invitae Variant Classification Sherloc (09022015). Collection method: clinical testing. Allele origin: germline.
Comment: This sequence change replaces glutamine with histidine at codon 306 of the PSEN1 protein (p.Gln306His). The glutamine residue is moderately conserved and there is a small physicochemical difference between glutamine and histidine. This variant is not present in population databases (ExAC no frequency). This variant has not been reported in the literature in individuals with PSEN1-related conditions. Advanced modeling of protein sequence and biophysical properties (such as structural, functional, and spatial information, amino acid conservation, physicochemical variation, residue mobility, and thermodynamic stability) performed at Invitae indicates that this missense variant is not expected to disrupt PSEN1 protein function. In summary, the available evidence is currently insufficient to determine the role of this variant in disease. Therefore, it has been classified as a Variant of Uncertain Significance.